The following is an entry in ClinVar:

NM_000308.4(CTSA):c.-18G>C

Gene: CTSA (cathepsin A; plus strand). Cytogenetic location: 20q13.12.
Variant type: single nucleotide variant.
Coding change: c.-18G>C on transcript NM_000308.4 (MANE Select); 18 bases upstream of the start codon, G replaced by C.
Molecular consequence: 5 prime UTR variant. On other transcripts: non-coding transcript variant (1).
Genome position (GRCh38, 1-based): chr20:45,891,362, G>C. VCF-style: chr20-45891362-G-C. GRCh37 (hg19) VCF-style: chr20-44520001-G-C.
Other names: c.-64G>C (NM_001127695.3); c.-18G>C (NM_001167594.3).
Identifiers: ClinVar variation 1383954 (VCV001383954.6), dbSNP rs1227051895, ClinGen allele CA409247321.

ClinVar aggregate classification (germline): Uncertain significance (1 of 4 stars; one submission).

Conditions:
Combined deficiency of sialidase AND beta galactosidase (GSL). Also called: NEURAMINIDASE DEFICIENCY WITH BETA-GALACTOSIDASE DEFICIENCY; NEURAMINIDASE/BETA-GALACTOSIDASE EXPRESSION; PPCA DEFICIENCY; PROTECTIVE PROTEIN/CATHEPSIN A DEFICIENCY; Galactosialidosis; CATHEPSIN A DEFICIENCY. Identifiers: Orphanet 351, MedGen C0268233, MONDO:0009737, OMIM 256540.

Allele frequency attached by ClinVar (database versions not stated): TOPMed below 0.00001.

Submission:

Labcorp Genetics (formerly Invitae), Labcorp
Classification: Uncertain significance for Combined deficiency of sialidase AND beta galactosidase. Last evaluated: 2021-12-03. Review status: criteria provided, single submitter. Criteria: Invitae Variant Classification Sherloc (09022015). Collection method: clinical testing. Allele origin: germline.
Comment: Algorithms developed to predict the effect of missense changes on protein structure and function output the following: SIFT: "Not Available"; PolyPhen-2: "Benign"; Align-GVGD: "Not Available". The arginine amino acid residue is found in multiple mammalian species, which suggests that this missense change does not adversely affect protein function. This sequence change replaces glycine, which is neutral and non-polar, with arginine, which is basic and polar, at codon 13 of the CTSA protein (p.Gly13Arg). This variant is not present in population databases (gnomAD no frequency). This variant has not been reported in the literature in individuals affected with CTSA-related conditions. In summary, the available evidence is currently insufficient to determine the role of this variant in disease. Therefore, it has been classified as a Variant of Uncertain Significance.